The following is an entry in ClinVar:

ClinVar aggregate classification (germline): Uncertain significance. Review status: criteria provided, multiple submitters, no conflicts (2 of 4 stars). 4 submissions from 4 submitters: Uncertain significance (4). Last evaluated 2025-12-29.

Conditions:
Multiple endocrine neoplasia, type 1 (MEN1). Also called: MEN I; WERMER SYNDROME; MEA I; Endocrine adenomatosis multiple; MEN 1. Identifiers: Orphanet 652, MedGen C0025267, MeSH D018761, MONDO:0007540, OMIM 131100.
Hereditary cancer-predisposing syndrome. Also called: Tumor predisposition; Hereditary Cancer Syndrome; Neoplastic Syndromes, Hereditary; Hereditary neoplastic syndrome. Identifiers: Orphanet 140162, MedGen C0027672, MeSH D009386, MONDO:0015356.

Allele frequency attached by ClinVar (database versions not stated): TOPMed 0.00001.

Submissions (4):

Center for Genomic Medicine, Rigshospitalet, Copenhagen University Hospital
Classification: Uncertain significance. Last evaluated: 2025-12-29. Review status: criteria provided, single submitter. Criteria: ACMG Guidelines, 2015. Collection method: clinical testing. Allele origin: germline.

Labcorp Genetics (formerly Invitae), Labcorp
Classification: Uncertain significance for Multiple endocrine neoplasia, type 1. Last evaluated: 2025-10-07. Review status: criteria provided, single submitter. Criteria: Invitae Variant Classification Sherloc (09022015). Collection method: clinical testing. Allele origin: germline.
Comment: This sequence change replaces glutamic acid, which is acidic and polar, with lysine, which is basic and polar, at codon 60 of the MEN1 protein (p.Glu60Lys). This variant is not present in population databases (gnomAD no frequency). This variant has not been reported in the literature in individuals affected with MEN1-related conditions. ClinVar contains an entry for this variant (Variation ID: 864029). Invitae Evidence Modeling of protein sequence and biophysical properties (such as structural, functional, and spatial information, amino acid conservation, physicochemical variation, residue mobility, and thermodynamic stability) indicates that this missense variant is not expected to disrupt MEN1 protein function with a negative predictive value of 95%. In summary, the available evidence is currently insufficient to determine the role of this variant in disease. Therefore, it has been classified as a Variant of Uncertain Significance.

All of Us Research Program, National Institutes of Health
Classification: Uncertain significance for Multiple endocrine neoplasia, type 1. Last evaluated: 2024-08-06. Review status: criteria provided, single submitter. Criteria: ACMG Guidelines, 2015. Collection method: clinical testing. Allele origin: germline. Inheritance: Autosomal dominant inheritance. Observed: 1 variant allele, 1 heterozygote.
Comment: This study involves interpretation of variants in research participants for the purpose of population health screening. Participant phenotype was not available at the time of variant classification. Additional details can be found in publication PMID: 35346344, PMCID: PMC8962531

Ambry Genetics
Classification: Uncertain significance for Hereditary cancer-predisposing syndrome. Last evaluated: 2024-04-26. Review status: criteria provided, single submitter. Criteria: Ambry Variant Classification Scheme 2023. Collection method: clinical testing. Allele origin: germline.
Comment: The p.E60K variant (also known as c.178G>A), located in coding exon 1 of the MEN1 gene, results from a G to A substitution at nucleotide position 178. The glutamic acid at codon 60 is replaced by lysine, an amino acid with similar properties. This amino acid position is conserved. In addition, the in silico prediction for this alteration is inconclusive. Since supporting evidence is limited at this time, the clinical significance of this alteration remains unclear.

NM_001370259.2(MEN1):c.178G>A (p.Glu60Lys)

Gene: MEN1 (menin 1; minus strand). Cytogenetic location: 11q13.1.
Variant type: single nucleotide variant.
Coding change: c.178G>A on transcript NM_001370259.2 (MANE Select); coding-DNA position 178, G replaced by A.
Protein change: p.Glu60Lys; replaces glutamic acid 60 with lysine.
Molecular consequence: missense variant.
Genome position (GRCh38, 1-based): chr11:64,809,932, C>T on the plus strand (G>A on the coding strand, the complement: MEN1 is on the minus strand). VCF-style: chr11-64809932-C-T. GRCh37 (hg19) VCF-style: chr11-64577404-C-T.
Other names: c.178G>A, p.Glu60Lys (NM_000244.4, NM_001370251.2, NM_001370260.2 and 9 more transcripts); short protein forms E60K.
Identifiers: ClinVar variation 864029 (VCV000864029.13), dbSNP rs1174208039, ClinGen allele CA381187708.
Genomic context (GRCh38, chr11:64,809,932, plus strand): 5'-CGGGAAAGTAGGTGAGGCCGCCAGGCGGGTCGGGGGCGGGGCTGGGCTGGAAGGTGAGCT[C>T]GGGAACGTTGGTAGGGATGACGCGGTTGACAGCCAGAAAATGCTCCACGAAGCCCAGCAC-3'
Protein context (NP_001357188.2, residues 50-70): VNRVIPTNVP[Glu60Lys]LTFQPSPAPD